The following is an entry in ClinVar:

ClinVar aggregate classification (germline): Pathogenic/Likely pathogenic. Review status: criteria provided, multiple submitters, no conflicts (2 of 4 stars). 5 submissions from 5 submitters: Pathogenic (2); Likely pathogenic (2). 1 of the submissions does not count toward it. Last evaluated 2024-05-23.

Conditions:
Familial thoracic aortic aneurysm and aortic dissection (TAAD). Also called: Thoracic aortic aneurysms and dissections. Identifiers: Orphanet 91387, MedGen C4707243, MONDO:0019625.
Marfan syndrome (MFS). Also called: Marfan syndrome, classic; Marfan syndrome type 1; Marfan's syndrome; MARFAN SYNDROME, TYPE I; FBN1-Related Marfan Syndrome. Identifiers: Orphanet 284963, Orphanet 558, MedGen C0024796, MONDO:0007947, OMIM 154700.

Submissions (5):

GeneDx
Classification: Likely pathogenic. Last evaluated: 2024-05-23. Review status: criteria provided, single submitter. Criteria: GeneDx Variant Classification Process June 2021. Collection method: clinical testing. Allele origin: germline. Affected: yes.
Comment: Not observed at significant frequency in large population cohorts (gnomAD); Affects a cysteine residue within a TGF-binding protein domain (aka TB domain or 8-Cysteine domain) and is expected to disrupt disulfide bonding within this domain; other missense substitutions that affect cysteine residues within this TGF-binding protein domain have been reported in association with various FBN1-related phenotypes, including Marfan syndrome (HGMD); In silico analysis supports that this missense variant has a deleterious effect on protein structure/function; Identified in individuals with ectopia lentis with or without additional Marfanoid features (PMID: 34281902, 19353630, 24698609); This variant is associated with the following publications: (PMID: 12203987, 18310266, 12203992, 34550612, 34818515, 32679894, 34281902, 19293843, 28941062, 19353630, 24698609, 35058154)

Labcorp Genetics (formerly Invitae), Labcorp
Classification: Pathogenic for Marfan syndrome; Familial thoracic aortic aneurysm and aortic dissection. Last evaluated: 2021-04-10. Review status: criteria provided, single submitter. Criteria: Invitae Variant Classification Sherloc (09022015). Collection method: clinical testing. Allele origin: germline.
Comment: For these reasons, this variant has been classified as Pathogenic. This variant affects a cysteine residue in the EGF-like, TGFBP or hybrid motif domains of FBN1. Cysteine residues are believed to be involved in intramolecular disulfide bridges and have been shown to be important for FBN1 protein structure (PMID: 16905551, 19349279). In addition, missense substitutions affecting cysteine residues within these domains are significantly overrepresented among patients with Marfan syndrome (PMID: 16571647, 17701892). This variant has been reported to affect FBN1 protein function (PMID: 16905551, 26281765). This variant has been reported in several individuals affected with FBN1-related conditions (PMID: 12203992, 24698609, 19353630, 28941062, Invitae). Different missense variants at the same codon (p.Cys908Tyr, Cys908Gly) have also been reported in individuals with FBN1-related conditions (PMID: 11170092, 18471089, 25656438). This variant is not present in population databases (ExAC no frequency). This sequence change replaces cysteine with arginine at codon 908 of the FBN1 protein (p.Cys908Arg). The cysteine residue is highly conserved and there is a large physicochemical difference between cysteine and arginine.

Centre of Medical Genetics, University of Antwerp
Classification: Likely pathogenic for Marfan syndrome. Last evaluated: 2021-03-01. Review status: criteria provided, single submitter. Criteria: Submitter's publication. Collection method: research. Allele origin: unknown. Affected: yes.
Comment: PM2, PS5, PP4

Ambry Genetics
Classification: Pathogenic for Familial thoracic aortic aneurysm and aortic dissection. Last evaluated: 2020-03-20. Review status: criteria provided, single submitter. Criteria: Ambry Variant Classification Scheme 2023. Collection method: clinical testing. Allele origin: germline.
Comment: The p.C908R pathogenic mutation (also known as c.2722T>C), located in coding exon 22 of the FBN1 gene, results from a T to C substitution at nucleotide position 2722. The cysteine at codon 908 is replaced by arginine, an amino acid with highly dissimilar properties. The majority of FBN1 mutations identified to date have involved the substitution or generation of cysteine residues within cbEGF domains (Vollbrandt T et al. J Biol Chem. 2004;279(31):32924-32931). This variant has been detected in individuals with classic Marfan syndrome and with Marfan-like findings (Katzke S et al. Hum. Mutat., 2002 Sep;20:197-208; Stheneur C et al. Eur. J. Hum. Genet., 2009 Sep;17:1121-8; Khan AO et al. J AAPOS, 2014 Apr;18:134-9). Based on internal structural assessment, this alteration eliminates a structurally critical disulfide in the structurally sensitive hybrid motif #02 domain. Furthermore, alternate amino acid substitutions at this codon, p.C908Y and p.C908G, have also been reported in Marfan syndrome cohorts, suggesting this as a hotspot position (Judge DP et al. Am J Med Genet. 2001;99:39-47; Wang WJ et al. J Mol Med. 2013;91:37-47; Haine E et al. J Bone Miner Res. 2015;30:1369-76). Based on the supporting evidence, this alteration is interpreted as a disease-causing mutation.

Center for Medical Genetics Ghent, University of Ghent
Classification: Likely pathogenic for Marfan syndrome. Last evaluated: 2017-11-07. Review status: no assertion criteria provided. Collection method: clinical testing. Allele origin: germline. Affected: yes. Not counted in ClinVar's aggregate classification.

Literature cited by the submitters: PubMed 16905551 (cited by Labcorp Genetics (formerly Invitae), Labcorp); PubMed 19349279 (cited by Labcorp Genetics (formerly Invitae), Labcorp); PubMed 16571647 (cited by Labcorp Genetics (formerly Invitae), Labcorp); PubMed 17701892 (cited by Labcorp Genetics (formerly Invitae), Labcorp and Ambry Genetics); PubMed 26281765 (cited by Labcorp Genetics (formerly Invitae), Labcorp and Ambry Genetics); PubMed 12203992 (cited by Labcorp Genetics (formerly Invitae), Labcorp and Ambry Genetics); PubMed 24698609 (cited by Labcorp Genetics (formerly Invitae), Labcorp and Ambry Genetics); PubMed 19353630 (cited by Labcorp Genetics (formerly Invitae), Labcorp and Ambry Genetics); PubMed 28941062 (cited by Labcorp Genetics (formerly Invitae), Labcorp); PubMed 11170092 (cited by Labcorp Genetics (formerly Invitae), Labcorp); PubMed 18471089 (cited by Labcorp Genetics (formerly Invitae), Labcorp); PubMed 25656438 (cited by Labcorp Genetics (formerly Invitae), Labcorp); PubMed 12203987 (cited by Ambry Genetics); PubMed 19293843 (cited by Ambry Genetics).

NM_000138.5(FBN1):c.2722T>C (p.Cys908Arg)

Gene: FBN1 (fibrillin 1; minus strand). Cytogenetic location: 15q21.1.
Variant type: single nucleotide variant.
Coding change: c.2722T>C on transcript NM_000138.5 (MANE Select); coding-DNA position 2722, T replaced by C.
Protein change: p.Cys908Arg; replaces cysteine 908 with arginine.
Molecular consequence: missense variant.
Genome position (GRCh38, 1-based): chr15:48,494,210, A>G on the plus strand (T>C on the coding strand, the complement: FBN1 is on the minus strand). VCF-style: chr15-48494210-A-G. GRCh37 (hg19) VCF-style: chr15-48786407-A-G.
Other names: short protein forms C908R.
Identifiers: ClinVar variation 406271 (VCV000406271.31), dbSNP rs1060501021, ClinGen allele CA16614815.